The following is an entry in ClinVar:

ClinVar aggregate classification (germline): Uncertain significance (1 of 4 stars; one submission).

gnomAD v4.1: 24 of 1,467,468 alleles (0.0016%); highest among the groups gnomAD compares: Non-Finnish European, 0.0022%; no homozygotes.

Submission:

Labcorp Genetics (formerly Invitae), Labcorp
Classification: Uncertain significance. Last evaluated: 2025-10-29. Review status: criteria provided, single submitter. Criteria: Invitae Variant Classification Sherloc (09022015). Collection method: clinical testing. Allele origin: germline.
Comment: This sequence change affects an acceptor splice site in intron 27 of the ANKRD26 gene. It is expected to disrupt RNA splicing. Variants that disrupt the donor or acceptor splice site typically lead to a loss of protein function (PMID: 16199547), however the current clinical and genetic evidence is not sufficient to establish whether loss-of-function variants in ANKRD26 cause disease. This variant is present in population databases (rs766209898, gnomAD 0.0009%). This variant has not been reported in the literature in individuals affected with ANKRD26-related conditions. Algorithms developed to predict the effect of sequence changes on RNA splicing suggest that this variant may disrupt the consensus splice site. In summary, the available evidence is currently insufficient to determine the role of this variant in disease. Therefore, it has been classified as a Variant of Uncertain Significance.

Literature cited by the submitters: PubMed 16199547.

NM_014915.3(ANKRD26):c.3973-2A>T

Gene: ANKRD26 (ankyrin repeat domain 26; minus strand). Cytogenetic location: 10p12.1.
Variant type: single nucleotide variant.
Coding change: c.3973-2A>T on transcript NM_014915.3 (MANE Select); the canonical splice acceptor site of the intron before coding-DNA position 3973, A replaced by T.
Molecular consequence: splice acceptor variant.
Genome position (GRCh38, 1-based): chr10:27,024,561, T>A on the plus strand (A>T on the coding strand, the complement: ANKRD26 is on the minus strand). VCF-style: chr10-27024561-T-A. GRCh37 (hg19) VCF-style: chr10-27313490-T-A.
Other names: c.3970-2A>T (NM_001256053.2).
Identifiers: ClinVar variation 4695540 (VCV004695540.1).